The following is an entry in ClinVar:

NM_001734.5(C1S):c.1600C>T (p.Arg534Trp)

Gene: C1S (complement C1s; plus strand). Cytogenetic location: 12p13.31.
Variant type: single nucleotide variant.
Coding change: c.1600C>T on transcript NM_001734.5 (MANE Select); coding-DNA position 1600, C replaced by T.
Protein change: p.Arg534Trp; replaces arginine 534 with tryptophan.
Molecular consequence: missense variant.
Genome position (GRCh38, 1-based): chr12:7,070,184, C>T. VCF-style: chr12-7070184-C-T. GRCh37 (hg19) VCF-style: chr12-7177488-C-T.
Other names: p.Arg534Trp; c.1600C>T, p.Arg534Trp (LRG_25t1, NM_201442.4); c.1099C>T, p.Arg367Trp (NM_001346850.2); c.1600C>T (NM_201442.2); short protein forms R534W, R367W.
Identifiers: ClinVar variation 17068 (VCV000017068.54), dbSNP rs121909582, ClinGen allele CA127067.

ClinVar aggregate classification (germline): Uncertain significance. Review status: criteria provided, multiple submitters, no conflicts (2 of 4 stars). 7 submissions from 7 submitters: Uncertain significance (7). Last evaluated 2026-05-28.

Conditions:
Complement component C1s deficiency. Also called: C1s deficiency; Complement 1s deficiency. Identifiers: MedGen C3151078, MONDO:0013419, OMIM 613783.
Ehlers-Danlos syndrome, periodontal type 2. Identifiers: MedGen C4310681, MONDO:0014954, OMIM 617174.

Allele frequency attached by ClinVar (database versions not stated): ExAC 0.00013; gnomAD exomes 0.00014 and 0.00011; TOPMed 0.00017; gnomAD 0.00020 and 0.00021.
gnomAD v4.1: 190 of 1,614,016 alleles (0.012%); highest among the groups gnomAD compares: Non-Finnish European, 0.015%; no homozygotes.

Submissions (7):

Women's Health and Genetics/Laboratory Corporation of America, LabCorp
Classification: Uncertain significance. Last evaluated: 2026-05-28. Review status: criteria provided, single submitter. Criteria: LabCorp Variant Classification Summary - May 2015. Collection method: clinical testing. Allele origin: germline.
Comment: Variant summary: C1S c.1600C>T (p.Arg534Trp) results in a non-conservative amino acid change in the encoded protein sequence. Algorithms developed to predict the effect of missense changes on protein structure and function all suggest that this variant is likely to be disruptive. The variant allele was found at a frequency of 0.00014 in 251114 control chromosomes (gnomAD). This frequency is not significantly higher than estimated for disease-causing variants in C1S, allowing no conclusion about variant significance. c.1600C>T has been reported in the literature in an individual affected with an ALPS-like phenotype without strong evidence of causality (Grossi_2021). This report does not provide unequivocal conclusions about association of the variant with disease. To our knowledge, no experimental evidence demonstrating an impact on protein function has been reported. The following publication has been ascertained in the context of this evaluation (PMID: 34573280). ClinVar contains an entry for this variant (Variation ID: 17068). Based on the evidence outlined above, the variant was classified as uncertain significance.

CeGaT Center for Human Genetics Tuebingen
Classification: Uncertain significance. Last evaluated: 2026-01-01. Review status: criteria provided, single submitter. Criteria: CeGaT Center For Human Genetics Tuebingen Variant Classification Criteria Version 2. Collection method: clinical testing. Allele origin: germline. Affected: yes. Observed: 7 variant alleles.

Labcorp Genetics (formerly Invitae), Labcorp
Classification: Uncertain significance. Last evaluated: 2025-12-18. Review status: criteria provided, single submitter. Criteria: Invitae Variant Classification Sherloc (09022015). Collection method: clinical testing. Allele origin: germline.
Comment: This sequence change replaces arginine, which is basic and polar, with tryptophan, which is neutral and slightly polar, at codon 534 of the C1S protein (p.Arg534Trp). This variant is present in population databases (rs121909582, gnomAD 0.03%). This variant has not been reported in the literature in individuals affected with C1S-related conditions. ClinVar contains an entry for this variant (Variation ID: 17068). Invitae Evidence Modeling of protein sequence and biophysical properties (such as structural, functional, and spatial information, amino acid conservation, physicochemical variation, residue mobility, and thermodynamic stability) indicates that this missense variant is expected to disrupt C1S protein function with a positive predictive value of 80%. In summary, the available evidence is currently insufficient to determine the role of this variant in disease. Therefore, it has been classified as a Variant of Uncertain Significance.

Mayo Clinic Laboratories, Mayo Clinic
Classification: Uncertain significance. Last evaluated: 2025-08-22. Review status: criteria provided, single submitter. Criteria: ACMG Guidelines, 2015. Collection method: clinical testing. Allele origin: germline. Observed: 1 variant allele.

Institute of Human Genetics, University of Goettingen
Classification: Uncertain significance for Ehlers-Danlos syndrome, periodontal type 2. Last evaluated: 2023-09-13. Review status: criteria provided, single submitter. Criteria: ACMG Guidelines, 2015. Collection method: clinical testing. Allele origin: germline. Inheritance: Autosomal dominant inheritance. Affected: yes. Observed: 1 heterozygote.
Comment: The identified C1S variant is classified as a variant of uncertain significance (VUS). It has previously been reported as a VUS in individuals with congenital immunodeficiencies. The molecular finding is consistent with some aspects of the patient’s clinical presentation. No evidence from the gnomAD browser suggests this variant occurs as a benign allele in unaffected individuals [PM2]. According to ACMG criteria, classification is based on PM2.

Fulgent Genetics
Classification: Uncertain significance for Complement component C1s deficiency; Ehlers-Danlos syndrome, periodontal type 2. Last evaluated: 2022-05-16. Review status: criteria provided, single submitter. Criteria: ACMG Guidelines, 2015. Collection method: clinical testing. Allele origin: unknown.

Revvity Omics, Revvity
Classification: Uncertain significance. Last evaluated: 2020-10-20. Review status: criteria provided, single submitter. Criteria: ACMG Guidelines, 2015. Collection method: clinical testing. Allele origin: germline.

Literature cited by the submitters: PubMed 34573280 (cited by Women's Health and Genetics/Laboratory Corporation of America, LabCorp and Mayo Clinic Laboratories, Mayo Clinic); PubMed 31589614 (cited by Mayo Clinic Laboratories, Mayo Clinic).